The following is an entry in ClinVar:

ClinVar aggregate classification (germline): Benign/Likely benign. Review status: criteria provided, multiple submitters, no conflicts (2 of 4 stars). 13 submissions from 11 submitters: Benign (6); Likely benign (6). 1 of the submissions does not count toward it. Last evaluated 2026-07-01.

Conditions:
Usher syndrome type 1 (USH1). Also called: RETINITIS PIGMENTOSA AND CONGENITAL DEAFNESS. Identifiers: Orphanet 231169, Orphanet 886, MedGen C1568247, MONDO:0010168, OMIM 276900.
Autosomal recessive nonsyndromic hearing loss 2. Also called: DEAFNESS, AUTOSOMAL RECESSIVE 2; NEUROSENSORY NONSYNDROMIC RECESSIVE DEAFNESS 2. Identifiers: Orphanet 90636, MedGen C1838701, MONDO:0010807, OMIM 600060.
Usher syndrome type 1B (USH1B). Also called: Usher syndrome type IB. Identifiers: MedGen C1848638, MONDO:0700087.
Autosomal dominant nonsyndromic hearing loss 11. Identifiers: Orphanet 90635, MedGen C1832475, MONDO:0011032, OMIM 601317.

Allele frequency attached by ClinVar (database versions not stated): ESP Exome Variant Server 0.00500; TOPMed 0.00422; gnomAD 0.00497 and 0.00512; ExAC 0.00498; 1000 Genomes Project 0.00280; 1000 Genomes Project 30x 0.00297; gnomAD exomes 0.00499.
gnomAD v4.1: 8,654 of 1,612,946 alleles (0.54%); highest among the groups gnomAD compares: Middle Eastern, 0.92%; 33 homozygotes.

Submissions (13):

CeGaT Center for Human Genetics Tuebingen
Classification: Likely benign. Last evaluated: 2026-07-01. Review status: criteria provided, single submitter. Criteria: CeGaT Center For Human Genetics Tuebingen Variant Classification Criteria Version 2. Collection method: clinical testing. Allele origin: germline. Affected: yes. Observed: 25 variant alleles.
Comment: MYO7A: BP4, BS2

Labcorp Genetics (formerly Invitae), Labcorp
Classification: Benign. Last evaluated: 2026-02-01. Review status: criteria provided, single submitter. Criteria: Invitae Variant Classification Sherloc (09022015). Collection method: clinical testing. Allele origin: germline.

Blueprint Genetics
Classification: Likely benign. Last evaluated: 2024-11-27. Review status: criteria provided, single submitter. Criteria: ACMG Guidelines, 2015. Collection method: clinical testing. Allele origin: germline.

GeneDx
Classification: Benign. Last evaluated: 2019-04-24. Review status: criteria provided, single submitter. Criteria: GeneDx Variant Classification Process June 2021. Collection method: clinical testing. Allele origin: germline. Affected: yes.
Comment: This variant is associated with the following publications: (PMID: 26969326, 25262649, 16679490, 22681893, 22952768, 12112664, 30245029)

SIB Swiss Institute of Bioinformatics
Classification: Benign for Usher syndrome type 1. Last evaluated: 2018-05-31. Review status: criteria provided, single submitter. Criteria: ACMG Guidelines, 2015. Collection method: curation. Allele origin: unknown.
Comment: This variant is interpreted as a Benign, for Usher syndrome 1B, in Autosomal Recessive manner. The following ACMG Tag(s) were applied: BP4 => Multiple lines of computational evidence suggest no impact on gene or gene product (conservation, evolutionary, splicing impact, etc.). BS1 => Allele frequency is greater than expected for disorder. BS2 => Observed in a healthy adult individual for a recessive (homozygous), dominant (heterozygous), or X-linked (hemizygous) disorder, with full penetrance expected at an early age.

Illumina Laboratory Services, Illumina
Classification: Likely benign for Usher syndrome type 1. Last evaluated: 2017-04-27. Review status: criteria provided, single submitter. Criteria: ICSL Variant Classification Criteria 13 December 2019. Collection method: clinical testing. Allele origin: germline.
Comment: This variant was observed as part of a predisposition screen in an ostensibly healthy population. A literature search was performed for the gene, cDNA change, and amino acid change (where applicable). No publications were found based on this search. Allele frequency data from public databases allowed determination this variant is unlikely to cause disease. Therefore, this variant is classified as likely benign.

Illumina Laboratory Services, Illumina
Classification: Likely benign for Autosomal dominant nonsyndromic hearing loss 11. Last evaluated: 2017-04-27. Review status: criteria provided, single submitter. Criteria: ICSL Variant Classification Criteria 13 December 2019. Collection method: clinical testing. Allele origin: germline.
Comment: the same text as in the submission from Illumina Laboratory Services, Illumina above.

Illumina Laboratory Services, Illumina
Classification: Likely benign for Autosomal recessive nonsyndromic hearing loss 2. Last evaluated: 2017-04-27. Review status: criteria provided, single submitter. Criteria: ICSL Variant Classification Criteria 13 December 2019. Collection method: clinical testing. Allele origin: germline.
Comment: the same text as in the submission from Illumina Laboratory Services, Illumina above.

Eurofins Ntd Llc (ga)
Classification: Benign. Last evaluated: 2017-01-31. Review status: criteria provided, single submitter. Criteria: EGL Classification Definitions 2015. Collection method: clinical testing. Allele origin: germline. Observed: 4 variant alleles, 4 heterozygotes.

Genomic Diagnostic Laboratory, Division of Genomic Diagnostics, Children's Hospital of Philadelphia
Classification: Benign. Last evaluated: 2015-10-30. Review status: criteria provided, single submitter. Criteria: DGD Variant Analysis Guidelines. Collection method: clinical testing. Allele origin: unknown.

Laboratory for Molecular Medicine, Mass General Brigham Personalized Medicine
Classification: Benign. Last evaluated: 2010-09-03. Review status: criteria provided, single submitter. Criteria: LMM Criteria. Collection method: clinical testing. Allele origin: germline. Observed: 32 variant alleles.
Comment: Thr1566Met in exon 35 of MYO7A: This variant has been reported in the literature (Cremers 2007, Najera 2002, Roux 2006) and in dbSNP (rs41298747). It is not exp ected to have clinical significance due to a common occurrence in controls and t he fact that the Met (methionine) variant at position 1566 is present in other m ammalian species including rat and mouse.

Breakthrough Genomics
Classification: Likely benign. Review status: criteria provided, single submitter. Criteria: ACMG Guidelines, 2015. Collection method: not provided. Allele origin: germline. Inheritance: Autosomal recessive inheritance. Affected: yes.

Natera, Inc.
Classification: Benign for Usher syndrome type 1B. Last evaluated: 2019-11-01. Review status: no assertion criteria provided. Collection method: clinical testing. Allele origin: germline. Not counted in ClinVar's aggregate classification.

Literature cited by the submitters: PubMed 16679490 (cited by Laboratory for Molecular Medicine, Mass General Brigham Personalized Medicine); PubMed 12112664 (cited by Laboratory for Molecular Medicine, Mass General Brigham Personalized Medicine); PubMed 16963483 (cited by Laboratory for Molecular Medicine, Mass General Brigham Personalized Medicine).

NM_000260.4(MYO7A):c.4697C>T (p.Thr1566Met)

Gene: MYO7A (myosin VIIA; plus strand). Cytogenetic location: 11q13.5.
Variant type: single nucleotide variant.
Coding change: c.4697C>T on transcript NM_000260.4 (MANE Select); coding-DNA position 4697, C replaced by T.
Protein change: p.Thr1566Met; replaces threonine 1566 with methionine.
Molecular consequence: missense variant.
Genome position (GRCh38, 1-based): chr11:77,199,663, C>T. VCF-style: chr11-77199663-C-T. GRCh37 (hg19) VCF-style: chr11-76910708-C-T.
Other names: NM_000260.3(MYO7A):c.4697C>T(p.Thr1566Met); NM_001127180.1(MYO7A):c.4583C>T(p.Thr1528Met); c.4583C>T, p.Thr1528Met (NM_001127180.2); c.4550C>T, p.Thr1517Met (NM_001369365.1); short protein forms T1566M, T1528M, T1517M.
Identifiers: ClinVar variation 43254 (VCV000043254.49), dbSNP rs41298747, ClinGen allele CA132345.